The following is an entry in ClinVar:

NM_000660.7(TGFB1):c.441del (p.Val148fs)

Gene: TGFB1 (transforming growth factor beta 1; minus strand). Cytogenetic location: 19q13.2.
Variant type: Deletion.
Coding change: c.441del on transcript NM_000660.7 (MANE Select); coding-DNA position 441, one base deleted (C; older notation c.441delC).
Protein change: p.Val148fs; shifts the reading frame from valine 148.
Molecular consequence: frameshift variant.
Genome position (GRCh38, 1-based): chr19:41,348,370, G deleted on the plus strand (C on the coding strand, the reverse complement: TGFB1 is on the minus strand); the first of 3 consecutive G bases (chr19:41,348,370-41,348,372); deleting any one gives the same sequence. VCF-style (leftmost placement, unchanged base first): chr19-41348369-CG-C. GRCh37 (hg19) VCF-style: chr19-41854274-CG-C.
Other names: short protein forms V148fs.
Identifiers: ClinVar variation 2752062 (VCV002752062.3), dbSNP rs2513386955, ClinGen allele CA2697556593.

ClinVar aggregate classification (germline): Uncertain significance (1 of 4 stars; one submission).

Submission:

Labcorp Genetics (formerly Invitae), Labcorp
Classification: Uncertain significance. Last evaluated: 2023-08-11. Review status: criteria provided, single submitter. Criteria: Invitae Variant Classification Sherloc (09022015). Collection method: clinical testing. Allele origin: germline.
Comment: In summary, the available evidence is currently insufficient to determine the role of this variant in disease. Therefore, it has been classified as a Variant of Uncertain Significance. This sequence change creates a premature translational stop signal (p.Val148Cysfs*11) in the TGFB1 gene. It is expected to result in an absent or disrupted protein product. However, the current clinical and genetic evidence is not sufficient to establish whether loss-of-function variants in TGFB1 cause disease. This variant is not present in population databases (gnomAD no frequency). This variant has not been reported in the literature in individuals affected with TGFB1-related conditions.